The following is an entry in ClinVar:

NM_018418.5(SPATA7):c.1171C>T (p.Arg391Ter)

Gene: SPATA7 (spermatogenesis associated 7; plus strand). Cytogenetic location: 14q31.3.
Variant type: single nucleotide variant.
Coding change: c.1171C>T on transcript NM_018418.5 (MANE Select); coding-DNA position 1171, C replaced by T.
Protein change: p.Arg391Ter; replaces arginine 391 with a stop codon.
Molecular consequence: nonsense.
Genome position (GRCh38, 1-based): chr14:88,437,553, C>T. VCF-style: chr14-88437553-C-T. GRCh37 (hg19) VCF-style: chr14-88903897-C-T.
Other names: c.1075C>T, p.Arg359Ter (NM_001040428.4); short protein forms R391*, R359*.
Identifiers: ClinVar variation 489379 (VCV000489379.17), dbSNP rs374268850, ClinGen allele CA264544769.

ClinVar aggregate classification (germline): Pathogenic/Likely pathogenic. Review status: criteria provided, multiple submitters, no conflicts (2 of 4 stars). 7 submissions from 7 submitters: Pathogenic (5); Likely pathogenic (1). 1 of the submissions does not count toward it. Last evaluated 2025-10-25.

Conditions:
Retinitis pigmentosa (RP). Identifiers: Orphanet 791, MedGen C0035334, MeSH D012174, MONDO:0019200, OMIM 268000. Inheritance: Autosomal dominant, autosomal recessive and X linked inheritance.
Leber congenital amaurosis 3 (LCA3). Also called: SPATA7-Related Retinitis Pigmentosa. Identifiers: MedGen C1858677, MONDO:0011415, OMIM 604232.
Autosomal recessive SPATA7-related disorders.
SPATA7-related disorder. Also called: SPATA7-related condition; SPATA7-related disorders. Identifiers: MedGen CN239422.

Allele frequency attached by ClinVar (database versions not stated): gnomAD exomes 0.00002; TOPMed 0.00002; ESP Exome Variant Server 0.00008.
gnomAD v4.1: 34 of 1,609,904 alleles (0.0021%); highest among the groups gnomAD compares: Middle Eastern, 0.017%; no homozygotes.

Submissions (7):

Dasa
Classification: Likely pathogenic for Leber congenital amaurosis 3. Last evaluated: 2025-10-25. Review status: criteria provided, single submitter. Criteria: DASA Assertion Criteria. Collection method: clinical testing. Allele origin: germline.
Comment: NM_018418.5(SPATA7):c.1171C>T (p.Arg391*) is a nonsense variant in SPATA7 predicted to introduce a premature termination codon and is predicted to result in an absent or altered protein product. Loss of function is an established disease mechanism for SPATA7-associated disorders. This variant has been recurrently observed in individuals with SPATA7-related disorders (PMID: 28224992; PMID: 30054919; PMID: 31908400). Also, this variant is rare in population databases. Based on the currently available evidence, this variant is classified as likely pathogenic.

GeneDx
Classification: Pathogenic. Last evaluated: 2025-07-14. Review status: criteria provided, single submitter. Criteria: GeneDx Variant Classification Process June 2021. Collection method: clinical testing. Allele origin: germline. Affected: yes.
Comment: Nonsense variant predicted to result in protein truncation in a gene for which loss-of-function is a known mechanism of disease; Not observed at significant frequency in large population cohorts (gnomAD); This variant is associated with the following publications: (PMID: 31908400, 38892339, 28224992, NatarajanS2025[Article], 30054919)

Variantyx, Inc.
Classification: Pathogenic for Autosomal recessive SPATA7-related disorders. Last evaluated: 2025-05-30. Review status: criteria provided, single submitter. Criteria: Variantyx Assertion Criteria 2022. Collection method: clinical testing. Allele origin: germline. Inheritance: Autosomal recessive inheritance. Affected: yes.
Comment: This is a nonsense variant in the SPATA7 gene (OMIM: 609868). Pathogenic variants in this gene have been associated with autosomal recessive SPATA7-related disorders. This variant introduces a premature termination codon in exon 11 out of 12 and is expected to result in loss of function, which is a known disease mechanism for SPATA7 in these disorders (PMID: 19268277, 22334370, 23847139, 26047050, 26261414, 30054919) (PVS1). This variant has been identified in the homozygous or compound heterozygous state in at least 2 individuals reported in the published literature (PMID: 30054919,28224992) (PM3). This variant has a 0.0047% maximum allele frequency in non-founder control populations (PM2). Based on the current evidence, this variant is classified as pathogenic for autosomal recessive SPATA7-related disorders.This variant was reported by previous genetic testing.

Labcorp Genetics (formerly Invitae), Labcorp
Classification: Pathogenic for Leber congenital amaurosis 3. Last evaluated: 2025-05-06. Review status: criteria provided, single submitter. Criteria: Invitae Variant Classification Sherloc (09022015). Collection method: clinical testing. Allele origin: germline.
Comment: This sequence change creates a premature translational stop signal (p.Arg391*) in the SPATA7 gene. While this is not anticipated to result in nonsense mediated decay, it is expected to disrupt the last 209 amino acid(s) of the SPATA7 protein. This variant is not present in population databases (gnomAD no frequency). This premature translational stop signal has been observed in individual(s) with Leber congenital amaurosis (PMID: 30054919). ClinVar contains an entry for this variant (Variation ID: 489379). Algorithms developed to predict the effect of sequence changes on RNA splicing suggest that this variant may disrupt the consensus splice site. This variant disrupts a region of the SPATA7 protein in which other variant(s) (p.Asn454Lysfs*2) have been determined to be pathogenic (internal data). This suggests that this is a clinically significant region of the protein, and that variants that disrupt it are likely to be disease-causing. For these reasons, this variant has been classified as Pathogenic.

Blueprint Genetics
Classification: Pathogenic for SPATA7-related disorders. Last evaluated: 2024-07-03. Review status: criteria provided, single submitter. Criteria: ACMG Guidelines, 2015. Collection method: clinical testing. Allele origin: germline. Affected: yes. Observed: 3 variant alleles.

Genetics and Molecular Pathology, SA Pathology
Classification: Pathogenic for Retinitis pigmentosa. Last evaluated: 2020-07-24. Review status: criteria provided, single submitter. Criteria: ACMG Guidelines, 2015. Collection method: clinical testing. Allele origin: germline. Affected: yes.

Joint Genome Diagnostic Labs from Nijmegen and Maastricht, Radboudumc and MUMC+
Classification: Pathogenic for Leber congenital amaurosis 3. Last evaluated: 2016-09-01. Review status: no assertion criteria provided. Collection method: clinical testing. Allele origin: unknown. Affected: yes. Observed: 1 variant allele. Not counted in ClinVar's aggregate classification.

Literature cited by the submitters: PubMed 28224992 (cited by Dasa); PubMed 30054919 (cited by 3 submitters); PubMed 31908400 (cited by Dasa); PubMed 19268277 (cited by Variantyx, Inc.); PubMed 22334370 (cited by Variantyx, Inc.); PubMed 23847139 (cited by Variantyx, Inc.); PubMed 26047050 (cited by Variantyx, Inc.); PubMed 26261414 (cited by Variantyx, Inc.).